The following is an entry in ClinVar:

ClinVar aggregate classification (germline): Pathogenic/Likely pathogenic. Review status: criteria provided, multiple submitters, no conflicts (2 of 4 stars). 2 submissions from 2 submitters: Pathogenic (1); Likely pathogenic (1). Last evaluated 2024-05-29.

Conditions:
Congenital microcephaly - severe encephalopathy - progressive cerebral atrophy syndrome. Also called: ASNS DEFICIENCY; Asparagine synthetase deficiency. Identifiers: Orphanet 391376, MedGen C3809971, MONDO:0014258, OMIM 615574.

Submissions (2):

Natera, Inc.
Classification: Likely pathogenic for Asparagine synthetase deficiency. Last evaluated: 2024-05-29. Review status: criteria provided, single submitter. Criteria: Natera Variant Classification Schema (03/2026). Collection method: clinical testing. Allele origin: germline.
Comment: The c.1365del variant in ASNS is a frameshift variant predicted to shift the reading frame beginning at codon 456 and leads to a stop codon 2 codons downstream. This variant is expected to result in nonsense mediated decay, truncation, or a dysfunctional protein product. This variant is rare in the general population with a frequency below the threshold expected for the associated phenotype(s). Given the available evidence, this variant is classified as Likely Pathogenic.

Labcorp Genetics (formerly Invitae), Labcorp
Classification: Pathogenic. Last evaluated: 2024-05-12. Review status: criteria provided, single submitter. Criteria: Invitae Variant Classification Sherloc (09022015). Collection method: clinical testing. Allele origin: germline.
Comment: This sequence change creates a premature translational stop signal (p.Asn456Ilefs*2) in the ASNS gene. It is expected to result in an absent or disrupted protein product. Loss-of-function variants in ASNS are known to be pathogenic (PMID: 27422383, 30057589). This variant is present in population databases (no rsID available, gnomAD 0.007%). This variant has not been reported in the literature in individuals affected with ASNS-related conditions. For these reasons, this variant has been classified as Pathogenic.

Literature cited by the submitters: PubMed 27422383 (cited by Labcorp Genetics (formerly Invitae), Labcorp); PubMed 30057589 (cited by Labcorp Genetics (formerly Invitae), Labcorp).

NM_001673.5(ASNS):c.1365del (p.Asn456fs)

Genes: ASNS (asparagine synthetase (glutamine-hydrolyzing); minus strand), CZ1P-ASNS (CZ1P-ASNS readthrough; minus strand). Cytogenetic location: 7q21.3.
Variant type: Deletion.
Coding change: c.1365del on transcript NM_001673.5 (MANE Select); coding-DNA position 1365, one base deleted (C; older notation c.1365delC).
Protein change: p.Asn456fs; shifts the reading frame from asparagine 456.
Molecular consequence: frameshift variant. On other transcripts: non-coding transcript variant (1).
Genome position (GRCh38, 1-based): chr7:97,853,171, G deleted on the plus strand (C on the coding strand, the reverse complement: ASNS is on the minus strand); the first of 2 consecutive G bases (chr7:97,853,171-97,853,172); deleting either gives the same sequence. VCF-style (leftmost placement, unchanged base first): chr7-97853170-TG-T. GRCh37 (hg19) VCF-style: chr7-97482482-TG-T.
Other names: c.1302del, p.Asn435fs (NM_001178075.2); c.1116del, p.Asn373fs (NM_001178076.2, NM_001178077.1); c.1365del, p.Asn456fs (NM_001352496.2, NM_133436.3, NM_183356.4); short protein forms N456fs, N373fs, N435fs.
Identifiers: ClinVar variation 2874957 (VCV002874957.4), dbSNP rs1351649810, ClinGen allele CA576362264.